The following is an entry in ClinVar:

NM_004958.4(MTOR):c.3973T>C (p.Cys1325Arg)

Gene: MTOR (mechanistic target of rapamycin kinase; minus strand). Cytogenetic location: 1p36.22.
Variant type: single nucleotide variant.
Coding change: c.3973T>C on transcript NM_004958.4 (MANE Select); coding-DNA position 3973, T replaced by C.
Protein change: p.Cys1325Arg; replaces cysteine 1325 with arginine.
Molecular consequence: missense variant.
Genome position (GRCh38, 1-based): chr1:11,199,675, A>G on the plus strand (T>C on the coding strand, the complement: MTOR is on the minus strand). VCF-style: chr1-11199675-A-G. GRCh37 (hg19) VCF-style: chr1-11259732-A-G.
Other names: c.3973T>C, p.Cys1325Arg (NM_001386500.1); c.2725T>C, p.Cys909Arg (NM_001386501.1); short protein forms C1325R, C909R.
Identifiers: ClinVar variation 2580011 (VCV002580011.1), dbSNP rs2100747088, ClinGen allele CA338391151.

ClinVar aggregate classification (germline): Uncertain significance (1 of 4 stars; one submission).

Submission:

GeneDx
Classification: Uncertain significance. Last evaluated: 2023-03-12. Review status: criteria provided, single submitter. Criteria: GeneDx Variant Classification Process June 2021. Collection method: clinical testing. Allele origin: germline. Affected: yes.
Comment: Not observed at significant frequency in large population cohorts (gnomAD); In silico analysis supports that this missense variant has a deleterious effect on protein structure/function; Has not been previously published as pathogenic or benign to our knowledge